The following is an entry in ClinVar:

ClinVar aggregate classification (germline): Uncertain significance (1 of 4 stars; one submission).

Conditions:
Hypertrophic cardiomyopathy 10. Also called: CARDIOMYOPATHY, HYPERTROPHIC, MID-LEFT VENTRICULAR CHAMBER TYPE, 2; MYL2-Related Familial Hypertrophic Cardiomyopathy. Identifiers: MedGen C1834460, MONDO:0012112, OMIM 608758.

Submission:

Labcorp Genetics (formerly Invitae), Labcorp
Classification: Uncertain significance for Hypertrophic cardiomyopathy 10. Last evaluated: 2022-07-05. Review status: criteria provided, single submitter. Criteria: Invitae Variant Classification Sherloc (09022015). Collection method: clinical testing. Allele origin: germline.
Comment: This sequence change replaces tyrosine, which is neutral and polar, with aspartic acid, which is acidic and polar, at codon 152 of the MYL2 protein (p.Tyr152Asp). This variant is not present in population databases (gnomAD no frequency). This missense change has been observed in individual(s) with clinical features of MYL2-related conditions (PMID: 21520333). ClinVar contains an entry for this variant (Variation ID: 1047494). Algorithms developed to predict the effect of missense changes on protein structure and function are either unavailable or do not agree on the potential impact of this missense change (SIFT: "Deleterious"; PolyPhen-2: "Probably Damaging"; Align-GVGD: "Class C15"). In summary, the available evidence is currently insufficient to determine the role of this variant in disease. Therefore, it has been classified as a Variant of Uncertain Significance.

Literature cited by the submitters: PubMed 21520333.

NM_000432.4(MYL2):c.454T>G (p.Tyr152Asp)

Gene: MYL2 (myosin light chain 2; minus strand). Cytogenetic location: 12q24.11.
Variant type: single nucleotide variant.
Coding change: c.454T>G on transcript NM_000432.4 (MANE Select); coding-DNA position 454, T replaced by G.
Protein change: p.Tyr152Asp; replaces tyrosine 152 with aspartic acid.
Molecular consequence: missense variant.
Genome position (GRCh38, 1-based): chr12:110,911,124, A>C on the plus strand (T>G on the coding strand, the complement: MYL2 is on the minus strand). VCF-style: chr12-110911124-A-C. GRCh37 (hg19) VCF-style: chr12-111348928-A-C.
Other names: short protein forms Y152D.
Identifiers: ClinVar variation 1047494 (VCV001047494.7), dbSNP rs766036025, ClinGen allele CA386696804.
Genomic context (GRCh38, chr12:110,911,124, plus strand): 5'-AGCGAGCCCCCTCCTAGTCCTTCTCTTCTCCGTGGGTGATGATGTGCACCAGGTTCTTGT[A>C]GTCCAAGTTGCCAGTCACGTCAGGGGGGAAGGCGGCGAACATCTGGTCAACCTGCAATGA-3'
Protein context (NP_000423.2, residues 142-162): FPPDVTGNLD[Tyr152Asp]KNLVHIITHG